The following is an entry in ClinVar:

NM_000285.4(PEPD):c.1302_1305del (p.Phe434fs)

Gene: PEPD (peptidase D; minus strand). Cytogenetic location: 19q13.11.
Variant type: Microsatellite.
Coding change: c.1302_1305del on transcript NM_000285.4 (MANE Select); coding-DNA positions 1302 to 1305, 4 bases deleted (CCTT; older notation c.1302_1305delCCTT).
Protein change: p.Phe434fs; shifts the reading frame from phenylalanine 434.
Molecular consequence: frameshift variant.
Genome position (GRCh38, 1-based): chr19:33,387,929-33,387,932, AAGG deleted on the plus strand (CCTT on the coding strand, the reverse complement: PEPD is on the minus strand); deleting any 4 consecutive bases within chr19:33,387,929-33,387,937 gives the same sequence; the c. name uses the placement nearest the transcript's 3' end. VCF-style (leftmost placement, unchanged base first): chr19-33387928-TAAGG-T. GRCh37 (hg19) VCF-style: chr19-33878834-TAAGG-T.
Other names: c.1179_1182del, p.Phe393fs (NM_001166056.2); c.1110_1113del, p.Phe370fs (NM_001166057.2); short protein forms F393fs, F434fs, F370fs.
Identifiers: ClinVar variation 2775572 (VCV002775572.4), dbSNP rs2513375048, ClinGen allele CA2584321767.

ClinVar aggregate classification (germline): Pathogenic/Likely pathogenic. Review status: criteria provided, multiple submitters, no conflicts (2 of 4 stars). 2 submissions from 2 submitters: Pathogenic (1); Likely pathogenic (1). Last evaluated 2023-11-03.

Conditions:
PEPD-related disorder. Also called: PEPD-related condition.

Submissions (2):

Blueprint Genetics
Classification: Likely pathogenic for PEPD-related disorders. Last evaluated: 2023-11-03. Review status: criteria provided, single submitter. Criteria: ACMG Guidelines, 2015. Collection method: clinical testing. Allele origin: germline. Affected: yes. Observed: 2 variant alleles.

Labcorp Genetics (formerly Invitae), Labcorp
Classification: Pathogenic. Last evaluated: 2023-08-01. Review status: criteria provided, single submitter. Criteria: Invitae Variant Classification Sherloc (09022015). Collection method: clinical testing. Allele origin: germline.
Comment: This sequence change creates a premature translational stop signal (p.Phe434Leufs*23) in the PEPD gene. While this is not anticipated to result in nonsense mediated decay, it is expected to disrupt the last 60 amino acid(s) of the PEPD protein. For these reasons, this variant has been classified as Pathogenic. This variant disrupts a region of the PEPD protein in which other variant(s) (p.Gly448Arg) have been determined to be pathogenic (PMID: 8198124, 23516557, 25460580). This suggests that this is a clinically significant region of the protein, and that variants that disrupt it are likely to be disease-causing. This variant has not been reported in the literature in individuals affected with PEPD-related conditions. This variant is not present in population databases (gnomAD no frequency).

Literature cited by the submitters: PubMed 8198124 (cited by Labcorp Genetics (formerly Invitae), Labcorp); PubMed 23516557 (cited by Labcorp Genetics (formerly Invitae), Labcorp); PubMed 25460580 (cited by Labcorp Genetics (formerly Invitae), Labcorp).